The following is an entry in ClinVar:

ClinVar aggregate classification (germline): Conflicting classifications of pathogenicity. Review status: criteria provided, conflicting classifications (1 of 4 stars). 3 submissions from 3 submitters: Uncertain significance (2); Likely benign (1). Last evaluated 2025-11-03.

Conditions:
Cardiomyopathy (CMYO). Also called: Cardiomyopathies. Identifiers: Orphanet 167848, MedGen C0878544, MONDO:0004994, HP:0001638. Inheritance: Various modes of inheritance.
Hypertrophic cardiomyopathy. Also called: HYPERTROPHIC MYOCARDIOPATHY. Identifiers: Orphanet 217569, MedGen C0007194, MeSH D002312, MONDO:0005045, HP:0001639.

Allele frequency attached by ClinVar (database versions not stated): gnomAD 0.00001.

Submissions (3):

Labcorp Genetics (formerly Invitae), Labcorp
Classification: Uncertain significance for Hypertrophic cardiomyopathy. Last evaluated: 2025-11-03. Review status: criteria provided, single submitter. Criteria: Invitae Variant Classification Sherloc (09022015). Collection method: clinical testing. Allele origin: germline.
Comment: This sequence change replaces valine, which is neutral and non-polar, with alanine, which is neutral and non-polar, at codon 9 of the MYBPC3 protein (p.Val9Ala). This variant is not present in population databases (gnomAD no frequency). This variant has not been reported in the literature in individuals affected with MYBPC3-related conditions. ClinVar contains an entry for this variant (Variation ID: 1332372). An algorithm developed to predict the effect of missense changes on protein structure and function outputs the following: PolyPhen-2: "Benign". The alanine amino acid residue is found in multiple mammalian species, which suggests that this missense change does not adversely affect protein function. In summary, the available evidence is currently insufficient to determine the role of this variant in disease. Therefore, it has been classified as a Variant of Uncertain Significance.

Color Diagnostics, LLC DBA Color Health
Classification: Likely benign for Cardiomyopathy. Last evaluated: 2025-07-22. Review status: criteria provided, single submitter. Criteria: ACMG Guidelines, 2015. Collection method: clinical testing. Allele origin: germline.

All of Us Research Program, National Institutes of Health
Classification: Uncertain significance for Hypertrophic cardiomyopathy. Last evaluated: 2023-06-08. Review status: criteria provided, single submitter. Criteria: ACMG Guidelines, 2015. Collection method: clinical testing. Allele origin: germline. Inheritance: Autosomal dominant inheritance. Observed: 1 variant allele, 1 heterozygote.
Comment: This missense variant replaces valine with alanine at codon 9 of the MYBPC3 protein. Computational prediction suggests that this variant may not impact protein structure and function (internally defined REVEL score threshold <= 0.5, PMID: 27666373). To our knowledge, functional studies have not been reported for this variant. This variant has not been reported in individuals affected with cardiovascular disorders in the literature. This variant has not been identified in the general population by the Genome Aggregation Database (gnomAD). The available evidence is insufficient to determine the role of this variant in disease conclusively. Therefore, this variant is classified as a Variant of Uncertain Significance.

This study involves interpretation of variants in research participants for the purpose of population health screening. Participant phenotype was not available at the time of variant classification. Additional details can be found in publication PMID: 35346344, PMCID: PMC8962531

NM_000256.3(MYBPC3):c.26T>C (p.Val9Ala)

Gene: MYBPC3 (myosin binding protein C3; minus strand). Cytogenetic location: 11p11.2.
Variant type: single nucleotide variant.
Coding change: c.26T>C on transcript NM_000256.3 (MANE Select); coding-DNA position 26, T replaced by C.
Protein change: p.Val9Ala; replaces valine 9 with alanine.
Molecular consequence: missense variant.
Genome position (GRCh38, 1-based): chr11:47,351,505, A>G on the plus strand (T>C on the coding strand, the complement: MYBPC3 is on the minus strand). VCF-style: chr11-47351505-A-G. GRCh37 (hg19) VCF-style: chr11-47373056-A-G.
Other names: short protein forms V9A.
Identifiers: ClinVar variation 1332372 (VCV001332372.8), dbSNP rs1395620536, ClinGen allele CA380342076.